The following is an entry in ClinVar:

NM_198271.5(LMOD3):c.1100ACA[1] (p.Asn368del)

Gene: LMOD3 (leiomodin 3; minus strand). Cytogenetic location: 3p14.1.
Variant type: Microsatellite.
Coding change: c.1100ACA[1] on transcript NM_198271.5 (MANE Select); one copy of the 3-base unit ACA starting at c.1100; the reference has two copies in a row; one copy, 3 bases deleted; also written c.1103_1105del.
Protein change: p.Asn368del; deletes asparagine 368.
Molecular consequence: inframe deletion.
Genome position (GRCh38, 1-based): chr3:69,119,250-69,119,252, TGT deleted on the plus strand (ACA on the coding strand, the reverse complement: LMOD3 is on the minus strand); deleting any 3 consecutive bases within chr3:69,119,250-69,119,256 gives the same sequence; the position shown is the placement nearest the transcript's 3' end. VCF-style (leftmost placement, unchanged base first): chr3-69119249-GTGT-G. GRCh37 (hg19) VCF-style: chr3-69168400-GTGT-G.
Other names: c.1103_1105del (NM_198271.4); c.1100ACA[1], p.Asn368del (NM_001304418.3); short protein forms N368del.
Identifiers: ClinVar variation 162216 (VCV000162216.5), dbSNP rs727502798, ClinGen allele CA214786.

ClinVar aggregate classification (germline): Uncertain significance. Review status: criteria provided, single submitter (1 of 4 stars). 2 submissions from 2 submitters: Uncertain significance (1). 1 of the submissions does not count toward it. Last evaluated 2019-09-02.

Conditions:
Nemaline myopathy 10 (NEM10). Identifiers: MedGen C4015360, MONDO:0014513, OMIM 616165.

Submissions (2):

Labcorp Genetics (formerly Invitae), Labcorp
Classification: Uncertain significance for Nemaline myopathy 10. Last evaluated: 2019-09-02. Review status: criteria provided, single submitter. Criteria: Invitae Variant Classification Sherloc (09022015). Collection method: clinical testing. Allele origin: germline.
Comment: This variant has been observed to segregate with autosomal recessive nemaline myopathy in a family (PMID: 25250574). ClinVar contains an entry for this variant (Variation ID: 162216). This variant is also known as c.1100_1102delACA (p.N367del) in the literature. In summary, the available evidence is currently insufficient to determine the role of this variant in disease. Therefore, it has been classified as a Variant of Uncertain Significance. Experimental studies and prediction algorithms are not available or were not evaluated for this variant, and the functional significance of this variant is currently unknown. This variant is not present in population databases (ExAC no frequency). This variant, c.1103_1105del, results in the deletion of 1 amino acid(s) of the LMOD3 protein (p.Asn368del), but otherwise preserves the integrity of the reading frame.

OMIM
Classification: Pathogenic for NEMALINE MYOPATHY 10. Last evaluated: 2014-11-03. Review status: no assertion criteria provided. Collection method: literature only. Allele origin: germline. Not counted in ClinVar's aggregate classification.

Literature cited by the submitters: PubMed 25250574 (cited by Labcorp Genetics (formerly Invitae), Labcorp); Yuen, M., Sandaradura, S. A., Dowling, J. J., Kostyukova, A. S., Moroz, N., Quinlan, K. G., Lehtokari, V.-L., Ravenscroft, G., Todd, E. J., Ceyhan-Birsoy, O., Gokhin, D. S., Maluenda, J., and 45 others Leiomodin-3 dysfunction results in thin filament disorganization and nemaline myopathy. J. Clin. Invest. 124: 4693-4708, 2014. Note: Erratum: J. Clin. Invest. 125: 456 only, 2015. (cited by OMIM).